The following is an entry in ClinVar:

NM_000458.4(HNF1B):c.962A>G (p.Asn321Ser)

Gene: HNF1B (HNF1 homeobox B; minus strand). Cytogenetic location: 17q12.
Variant type: single nucleotide variant.
Coding change: c.962A>G on transcript NM_000458.4 (MANE Select); coding-DNA position 962, A replaced by G.
Protein change: p.Asn321Ser; replaces asparagine 321 with serine.
Molecular consequence: missense variant.
Genome position (GRCh38, 1-based): chr17:37,731,678, T>C on the plus strand (A>G on the coding strand, the complement: HNF1B is on the minus strand). VCF-style: chr17-37731678-T-C. GRCh37 (hg19) VCF-style: chr17-36091669-T-C.
Other names: c.884A>G, p.Asn295Ser (NM_001165923.4, NM_001304286.2); short protein forms N321S, N295S.
Identifiers: ClinVar variation 36856 (VCV000036856.34), dbSNP rs193922493, ClinGen allele CA214373.
Genomic context (GRCh38, chr17:37,731,678, plus strand): 5'-GAGCTGGGCTGGTGGTGGGGGGAGCCGTGGGAGAGCAGAGGGTTCAGGCTGTGAGTCTGG[T>C]TGGAGCTATAGGCGTCCATGGCCAGCTTTTGCCGGAATGCCTCCTCCTTCCTGCGGTTTG-3'
Protein context (NP_000449.1, residues 311-331): QKLAMDAYSS[Asn321Ser]QTHSLNPLLS

ClinVar aggregate classification (germline): Conflicting classifications of pathogenicity. Review status: criteria provided, conflicting classifications (1 of 4 stars). 5 submissions from 5 submitters: Likely pathogenic (1); Uncertain significance (3). 1 of the submissions does not count toward it. Last evaluated 2025-01-27.

Conditions:
HNF1B-related disorder. Also called: HNF1B-related condition; HNF1B-related disorders.
Autosomal dominant polycystic liver disease. Also called: Polycystic liver disease; Congenital cystic disease of liver. Identifiers: Orphanet 2924, MedGen C0158683, MONDO:0000447, HP:0006557.
Renal cysts and diabetes syndrome (RCAD). Also called: Familial hypoplastic, glomerulocystic kidney; MATURITY-ONSET DIABETES OF THE YOUNG, TYPE 5. Identifiers: Orphanet 93111, MedGen C0431693, MONDO:0007669, OMIM 137920.

Allele frequency attached by ClinVar (database versions not stated): gnomAD 0.00001; gnomAD exomes 0.00001; ExAC 0.00002.
gnomAD v4.1: 14 of 1,613,962 alleles (0.00087%); highest among the groups gnomAD compares: Non-Finnish European, 0.0012%; no homozygotes.

Submissions (5):

PreventionGenetics, part of Exact Sciences
Classification: Uncertain significance for HNF1B-related condition. Last evaluated: 2025-01-27. Review status: criteria provided, single submitter. Criteria: ACMG Guidelines, 2015. Collection method: clinical testing. Allele origin: germline.
Comment: The HNF1B c.962A>G variant is predicted to result in the amino acid substitution p.Asn321Ser. To our knowledge, this variant has not been reported in the literature. This variant is reported in 0.0018% of alleles in individuals of European (Non-Finnish) descent in gnomAD. At this time, the clinical significance of this variant is uncertain due to the absence of conclusive functional and genetic evidence.

Blueprint Genetics
Classification: Uncertain significance. Last evaluated: 2024-11-05. Review status: criteria provided, single submitter. Criteria: ACMG Guidelines, 2015. Collection method: clinical testing. Allele origin: germline.

Institute of Human Genetics, FAU Erlangen, Friedrich-Alexander-Universität Erlangen-Nürnberg
Classification: Uncertain significance for Renal cysts and diabetes syndrome. Last evaluated: 2019-07-06. Review status: criteria provided, single submitter. Criteria: ACMG Guidelines, 2015. Collection method: literature only. Allele origin: germline. Affected: yes.
Comment: This variant and it's classification has been reported by Vasileiou et al. 2019; DOI:10.1101/576918. The variants has previously been reported in ClinVar:36856 as "NM_000458.3(HNF1B):c.962A>G (p.Asn321Ser)" with clinical significance Likely pathogenic. It has been re-classified using InterVar and manual curation as Uncertain significance based on PM1 PP5.

Women's Health and Genetics/Laboratory Corporation of America, LabCorp
Classification: Likely pathogenic for MODY5. Last evaluated: 2011-08-18. Review status: criteria provided, single submitter. Criteria: LabCorp Variant Classification Summary - May 2015. Collection method: curation, clinical testing. Allele origin: germline. Inheritance: autosomal unknown. Affected: yes.
ClinVar note: Converted during submission from likely pathogenic to Likely pathogenic.

Laboratory of Gastroenterology and Hepatology, Radboud University Medical Center
Classification: Uncertain significance for Autosomal dominant polycystic liver disease. Last evaluated: 2021-09-01. Review status: no assertion criteria provided. Collection method: research. Allele origin: germline. Affected: yes. Not counted in ClinVar's aggregate classification.

Literature cited by the submitters: DOI 10.1101/576918 (cited by Institute of Human Genetics, FAU Erlangen, Friedrich-Alexander-Universität Erlangen-Nürnberg).